The following is an entry in ClinVar:

NM_032638.5(GATA2):c.1325A>C (p.His442Pro)

Gene: GATA2 (GATA binding protein 2; minus strand). Cytogenetic location: 3q21.3.
Variant type: single nucleotide variant.
Coding change: c.1325A>C on transcript NM_032638.5 (MANE Select); coding-DNA position 1325, A replaced by C.
Protein change: p.His442Pro; replaces histidine 442 with proline.
Molecular consequence: missense variant.
Genome position (GRCh38, 1-based): chr3:128,481,137, T>G on the plus strand (A>C on the coding strand, the complement: GATA2 is on the minus strand). VCF-style: chr3-128481137-T-G. GRCh37 (hg19) VCF-style: chr3-128199980-T-G.
Other names: c.1325A>C, p.His442Pro (NM_001145661.2); c.1283A>C, p.His428Pro (NM_001145662.1); short protein forms H428P, H442P.
Identifiers: ClinVar variation 2937540 (VCV002937540.3), dbSNP rs1009940359, ClinGen allele CA83376238.
Genomic context (GRCh38, chr3:128,481,137, plus strand): 5'-GAGGGGTGGATGGGCGTCGGAGTGGGCAGGATGTGTCCGGAGTGGCTGAAGGGCGGGAGG[T>G]GGCCCACAGGTGCCATGTGTCCAGCCAGGGCAGCTGCACTGAAGGGGGATGACTTCTCCT-3'
Protein context (NP_116027.2, residues 432-452): ALAGHMAPVG[His442Pro]LPPFSHSGHI

ClinVar aggregate classification (germline): Uncertain significance (1 of 4 stars; one submission).

Conditions:
Monocytopenia with susceptibility to infections. Also called: MONOCYTOPENIA AND MYCOBACTERIAL INFECTION SYNDROME; MONOCYTOPENIA WITH SUSCEPTIBILITY TO MYCOBACTERIAL, FUNGAL, AND PAPILLOMAVIRUS INFECTIONS AND MYELODYSPLASIA; COMBINED IMMUNODEFICIENCY WITH SUSCEPTIBILITY TO MYCOBACTERIAL, VIRAL, AND FUNGAL INFECTIONS; Dendritic cell, monocyte, B lymphocyte, and natural killer lymphocyte deficiency; IMMUNODEFICIENCY 21; GATA2 DEFICIENCY. Identifiers: Orphanet 228423, MedGen C3280030, MONDO:0013607, OMIM 614172.
Deafness-lymphedema-leukemia syndrome. Also called: Lymphedema, primary, with myelodysplasia; Emberger syndrome. Identifiers: Orphanet 3226, MedGen C3279664, MONDO:0013540, OMIM 614038.

Allele frequency attached by ClinVar (database versions not stated): gnomAD exomes below 0.00001.
gnomAD v4.1: 1 of 1,613,776 alleles (0.000062%); highest among the groups gnomAD compares: East Asian, 0.0022%; no homozygotes.

Submission:

Labcorp Genetics (formerly Invitae), Labcorp
Classification: Uncertain significance for Monocytopenia with susceptibility to infections; Deafness-lymphedema-leukemia syndrome. Last evaluated: 2023-03-08. Review status: criteria provided, single submitter. Criteria: Invitae Variant Classification Sherloc (09022015). Collection method: clinical testing. Allele origin: germline.
Comment: This sequence change replaces histidine, which is basic and polar, with proline, which is neutral and non-polar, at codon 442 of the GATA2 protein (p.His442Pro). This variant is not present in population databases (gnomAD no frequency). This variant has not been reported in the literature in individuals affected with GATA2-related conditions. Advanced modeling of protein sequence and biophysical properties (such as structural, functional, and spatial information, amino acid conservation, physicochemical variation, residue mobility, and thermodynamic stability) performed at Invitae indicates that this missense variant is expected to disrupt GATA2 protein function. In summary, the available evidence is currently insufficient to determine the role of this variant in disease. Therefore, it has been classified as a Variant of Uncertain Significance.